The following is an entry in ClinVar:

ClinVar aggregate classification (germline): Likely pathogenic (1 of 4 stars; one submission).

Conditions:
Intellectual developmental disorder, X-linked, syndromic, Snyder-Robinson type. Also called: X-linked mental retardation Snyder - Robinson type; SNYDER-ROBINSON MENTAL RETARDATION SYNDROME; Spermine synthase deficiency; Syndromic X-linked intellectual disability Snyder type. Identifiers: Orphanet 3063, MedGen C0796160, MONDO:0010664, OMIM 309583.

Submission:

Daryl Scott Lab, Baylor College of Medicine
Classification: Likely pathogenic for Intellectual developmental disorder, X-linked, syndromic, Snyder-Robinson type. Last evaluated: 2025-08-25. Review status: criteria provided, single submitter. Criteria: ACMG Guidelines, 2015. Collection method: clinical testing. Allele origin: maternal. Affected: yes. Observed: 1 hemizygote.
Comment: PM2, PM5, PP3

NM_004595.5(SMS):c.442C>G (p.Gln148Glu)

Gene: SMS (spermine synthase; plus strand). Cytogenetic location: Xp22.11.
Variant type: single nucleotide variant.
Coding change: c.442C>G on transcript NM_004595.5 (MANE Select); coding-DNA position 442, C replaced by G.
Protein change: p.Gln148Glu; replaces glutamine 148 with glutamic acid.
Molecular consequence: missense variant.
Genome position (GRCh38, 1-based): chrX:21,977,173, C>G. VCF-style: chrX-21977173-C-G. GRCh37 (hg19) VCF-style: chrX-21995291-C-G.
Other names: c.283C>G, p.Gln95Glu (NM_001258423.2); short protein forms Q148E, Q95E.
Identifiers: ClinVar variation 4279691 (VCV004279691.1).